The following is an entry in ClinVar:

ClinVar aggregate classification (germline): Conflicting classifications of pathogenicity. Review status: criteria provided, conflicting classifications (1 of 4 stars). 3 submissions from 3 submitters: Uncertain significance (2); Likely benign (1). Last evaluated 2025-08-13.

Conditions:
Hereditary cancer-predisposing syndrome. Also called: Hereditary neoplastic syndrome; Tumor predisposition; Neoplastic Syndromes, Hereditary; Hereditary Cancer Syndrome. Identifiers: Orphanet 140162, MedGen C0027672, MeSH D009386, MONDO:0015356.
Hereditary breast ovarian cancer syndrome. Also called: Hereditary breast and ovarian cancer; Breast and ovarian cancer; BRCA1- and BRCA2-Associated Hereditary Breast and Ovarian Cancer; Hereditary breast and/or ovarian cancer syndrome; Hereditary breast and ovarian cancer syndrome; Hereditary breast and ovarian cancer syndrome (HBOC). Identifiers: Orphanet 145, MedGen C0677776, MeSH D061325, MONDO:0003582. Disease mechanism: loss of function.

Submissions (3):

Labcorp Genetics (formerly Invitae), Labcorp
Classification: Uncertain significance for Hereditary breast ovarian cancer syndrome. Last evaluated: 2025-08-13. Review status: criteria provided, single submitter. Criteria: Invitae Variant Classification Sherloc (09022015). Collection method: clinical testing. Allele origin: germline.
Comment: This sequence change replaces glutamic acid, which is acidic and polar, with glutamine, which is neutral and polar, at codon 2123 of the BRCA2 protein (p.Glu2123Gln). This variant is not present in population databases (gnomAD no frequency). This variant has not been reported in the literature in individuals affected with BRCA2-related conditions. ClinVar contains an entry for this variant (Variation ID: 1504654). Invitae Evidence Modeling of protein sequence and biophysical properties (such as structural, functional, and spatial information, amino acid conservation, physicochemical variation, residue mobility, and thermodynamic stability) indicates that this missense variant is not expected to disrupt BRCA2 protein function with a negative predictive value of 95%. In summary, the available evidence is currently insufficient to determine the role of this variant in disease. Therefore, it has been classified as a Variant of Uncertain Significance.

Ambry Genetics
Classification: Uncertain significance for Hereditary cancer-predisposing syndrome. Last evaluated: 2024-03-23. Review status: criteria provided, single submitter. Criteria: Ambry Variant Classification Scheme 2023. Collection method: clinical testing. Allele origin: germline.
Comment: The p.E2123Q variant (also known as c.6367G>C), located in coding exon 10 of the BRCA2 gene, results from a G to C substitution at nucleotide position 6367. The glutamic acid at codon 2123 is replaced by glutamine, an amino acid with highly similar properties. This amino acid position is conserved. In addition, this alteration is predicted to be tolerated by in silico analysis. Based on the available evidence, the clinical significance of this alteration remains unclear.

University of Washington Department of Laboratory Medicine, University of Washington
Classification: Likely benign for Hereditary cancer-predisposing syndrome. Last evaluated: 2023-03-23. Review status: criteria provided, single submitter. Criteria: Dines et al. (Genet Med. 2020). Collection method: curation. Allele origin: germline.
Comment: Missense variant in a coldspot region where missense variants are very unlikely to be pathogenic (PMID:31911673).

BRCA2 exon 11 coldspot. Reclassification based on statistical prior probability.

NM_000059.4(BRCA2):c.6367G>C (p.Glu2123Gln)

Gene: BRCA2 (BRCA2 DNA repair associated; plus strand). Cytogenetic location: 13q13.1.
Variant type: single nucleotide variant.
Coding change: c.6367G>C on transcript NM_000059.4 (MANE Select); coding-DNA position 6367, G replaced by C.
Protein change: p.Glu2123Gln; replaces glutamic acid 2123 with glutamine.
Molecular consequence: missense variant.
Genome position (GRCh38, 1-based): chr13:32,340,722, G>C. VCF-style: chr13-32340722-G-C. GRCh37 (hg19) VCF-style: chr13-32914859-G-C.
Other names: c.6367G>C (NM_000059.3); short protein forms E2123Q.
Identifiers: ClinVar variation 1504654 (VCV001504654.10), dbSNP rs2137526768, ClinGen allele CA387789162.